The following is an entry in ClinVar:

NM_006393.3(NEBL):c.1009-6A>G

Gene: NEBL (nebulette; minus strand). Cytogenetic location: 10p12.31.
Variant type: single nucleotide variant.
Coding change: c.1009-6A>G on transcript NM_006393.3 (MANE Select); 6 bases into the intron before coding-DNA position 1009, A replaced by G.
Molecular consequence: intron variant.
Genome position (GRCh38, 1-based): chr10:20,850,508, T>C on the plus strand (A>G on the coding strand, the complement: NEBL is on the minus strand). VCF-style: chr10-20850508-T-C. GRCh37 (hg19) VCF-style: chr10-21139437-T-C.
Other names: c.250-37568A>G (NM_001377326.1, NM_001377327.1, NM_001377328.1); c.358-37568A>G (NM_213569.2, NM_001173484.2, NM_001377322.1); c.301-37568A>G (NM_001377324.1); c.292-37568A>G (NM_001377325.1); c.310-37568A>G (NM_001377323.1).
Identifiers: ClinVar variation 2051435 (VCV002051435.4), dbSNP rs751146790, ClinGen allele CA5432987.

ClinVar aggregate classification (germline): Uncertain significance (1 of 4 stars; one submission).

Conditions:
Primary dilated cardiomyopathy (DCM). Also called: Dilated Cardiomyopathy. Identifiers: Orphanet 217604, MedGen C0007193, MeSH D002311, MONDO:0005021, HP:0001644. Inheritance: Various modes of inheritance.

Allele frequency attached by ClinVar (database versions not stated): gnomAD exomes below 0.00001; ExAC 0.00003.
gnomAD v4.1: 7 of 1,559,672 alleles (0.00045%); highest among the groups gnomAD compares: South Asian, 0.0011%; no homozygotes.

Submission:

Labcorp Genetics (formerly Invitae), Labcorp
Classification: Uncertain significance for Primary dilated cardiomyopathy. Last evaluated: 2025-04-06. Review status: criteria provided, single submitter. Criteria: Invitae Variant Classification Sherloc (09022015). Collection method: clinical testing. Allele origin: germline.
Comment: This sequence change falls in intron 10 of the NEBL gene. It does not directly change the encoded amino acid sequence of the NEBL protein. This variant is present in population databases (rs751146790, gnomAD 0.004%). This variant has not been reported in the literature in individuals affected with NEBL-related conditions. ClinVar contains an entry for this variant (Variation ID: 2051435). Algorithms developed to predict the effect of sequence changes on RNA splicing suggest that this variant may disrupt the consensus splice site. In summary, the available evidence is currently insufficient to determine the role of this variant in disease. Therefore, it has been classified as a Variant of Uncertain Significance.